The following is an entry in ClinVar:

NM_000231.3(SGCG):c.800_801delinsCC (p.Cys267Ser)

Gene: SGCG (sarcoglycan gamma; plus strand). Cytogenetic location: 13q12.12.
Variant type: Indel.
Coding change: c.800_801delinsCC on transcript NM_000231.3 (MANE Select); coding-DNA positions 800 to 801, GT replaced by CC.
Protein change: p.Cys267Ser; replaces cysteine 267 with serine.
Molecular consequence: missense variant.
Genome position (GRCh38, 1-based): chr13:23,324,465-23,324,466, GT replaced by CC. VCF-style: chr13-23324465-GT-CC. GRCh37 (hg19) VCF-style: chr13-23898604-GT-CC.
Other names: c.854_855delinsCC, p.Cys285Ser (NM_001378244.1); c.800_801delinsCC, p.Cys267Ser (NM_001378245.1, NM_001378246.1); short protein forms C285S, C267S.
Identifiers: ClinVar variation 2063856 (VCV002063856.1), dbSNP rs2542103409, ClinGen allele CA2580086817.
Genomic context (GRCh38, chr13:23,324,465, plus strand): 5'-TGGTGCAGGGGACGTGGGGTCCCTCTGGCAGCTCACAGAGCCTCTACGAAATCTGTGTGT[GT>CC]CCAGATGGGAAGCTGTACCTGTCTGTGGCCGGTGTGAGCACCACGTGCCAGGAGCACAAC-3'
Protein context (NP_000222.2, residues 257-277): SSQSLYEICV[Cys267Ser]PDGKLYLSVA

ClinVar aggregate classification (germline): Uncertain significance (1 of 4 stars; one submission).

Conditions:
Autosomal recessive limb-girdle muscular dystrophy type 2C (LGMDR5). Also called: MUSCULAR DYSTROPHY, DUCHENNE-LIKE; MUSCULAR DYSTROPHY, LIMB-GIRDLE, AUTOSOMAL RECESSIVE 5. Identifiers: Orphanet 353, MedGen C0410173, MONDO:0009677, OMIM 253700. Disease mechanism: Affects gamma-sarcoglycan and also disrupts the integrity of the entire sarcoglycan complex..

Submission:

Labcorp Genetics (formerly Invitae), Labcorp
Classification: Uncertain significance for Autosomal recessive limb-girdle muscular dystrophy type 2C. Last evaluated: 2022-01-01. Review status: criteria provided, single submitter. Criteria: Invitae Variant Classification Sherloc (09022015). Collection method: clinical testing. Allele origin: germline.
Comment: This sequence change replaces cysteine, which is neutral and slightly polar, with serine, which is neutral and polar, at codon 267 of the SGCG protein (p.Cys267Ser). This variant is present in population databases (no rsID available, gnomAD 0.1%). This variant has not been reported in the literature in individuals affected with SGCG-related conditions. Algorithms developed to predict the effect of missense changes on protein structure and function are either unavailable or do not agree on the potential impact of this missense change (SIFT: "Not Available"; PolyPhen-2: "Probably Damaging"; Align-GVGD: "Not Available"). In summary, the available evidence is currently insufficient to determine the role of this variant in disease. Therefore, it has been classified as a Variant of Uncertain Significance.